The following is an entry in ClinVar:

NM_007294.4(BRCA1):c.4484+1G>A

Gene: BRCA1 (BRCA1 DNA repair associated; minus strand). Cytogenetic location: 17q21.31.
Variant type: single nucleotide variant.
Coding change: c.4484+1G>A on transcript NM_007294.4 (MANE Select); the canonical splice donor site of the intron after coding-DNA position 4484, G replaced by A.
Molecular consequence: splice donor variant. On other transcripts: intron variant (3).
Genome position (GRCh38, 1-based): chr17:43,076,487, C>T on the plus strand (G>A on the coding strand, the complement: BRCA1 is on the minus strand). VCF-style: chr17-43076487-C-T. GRCh37 (hg19) VCF-style: chr17-41228504-C-T.
Other names: IVS14+1G>A; c.1031+1G>A (NM_001408458.1, NM_001408461.1, NM_001408464.1 and 7 more transcripts); c.3593+1G>A (NM_001407967.1); c.4103+1G>A (NM_001407959.1); c.4217+1G>A (NM_001407931.1, NM_001407932.1, NM_001407928.1 and 4 more transcripts); c.4340+1G>A (NM_001407747.1, NM_001407745.1, NM_001407737.1 and 21 more transcripts); c.4100+1G>A (NM_001407962.1, NM_001407960.1); c.671+1G>A (NM_001408512.1); and 72 more.
Identifiers: ClinVar variation 37596 (VCV000037596.36), dbSNP rs80358063, ClinGen allele CA002873.

ClinVar aggregate classification (germline): Pathogenic. Review status: criteria provided, multiple submitters, no conflicts (2 of 4 stars). 17 submissions from 17 submitters: Pathogenic (11). 6 of the submissions do not count toward it. Last evaluated 2025-12-19.

Conditions:
BRCA1-related cancer predisposition. Identifiers: MedGen CN377757, MONDO:0700268.
Hereditary cancer-predisposing syndrome. Also called: Tumor predisposition; Neoplastic Syndromes, Hereditary; Hereditary Cancer Syndrome; Hereditary neoplastic syndrome. Identifiers: Orphanet 140162, MedGen C0027672, MeSH D009386, MONDO:0015356.
Hereditary breast ovarian cancer syndrome. Also called: Hereditary breast and ovarian cancer syndrome (HBOC); Hereditary breast and ovarian cancer syndrome; Hereditary breast and ovarian cancer; Hereditary breast and/or ovarian cancer syndrome; Breast and ovarian cancer; BRCA1- and BRCA2-Associated Hereditary Breast and Ovarian Cancer. Identifiers: Orphanet 145, MedGen C0677776, MeSH D061325, MONDO:0003582. Disease mechanism: loss of function.
Breast-ovarian cancer, familial, susceptibility to, 1 (BROVCA1). Also called: OVARIAN CANCER, SUSCEPTIBILITY TO; BRCA1 Hereditary Breast and Ovarian Cancer. Identifiers: Orphanet 145, MedGen C2676676, MONDO:0011450, OMIM 604370. Disease mechanism: loss of function.
Familial cancer of breast. Also called: Hereditary breast cancer; hereditary breast carcinoma; BREAST CANCER, FAMILIAL. Identifiers: Orphanet 227535, MedGen C0346153, MONDO:0016419, OMIM 114480. Disease mechanism: loss of function.
Malignant tumor of breast. Also called: Malignant breast neoplasm; Cancer breast. Identifiers: MedGen C0006142, MONDO:0007254. Disease mechanism: loss of function.

Submissions 1 to 8 of 17:

Labcorp Genetics (formerly Invitae), Labcorp
Classification: Pathogenic for Hereditary breast ovarian cancer syndrome. Last evaluated: 2025-12-19. Review status: criteria provided, single submitter. Criteria: Invitae Variant Classification Sherloc (09022015). Collection method: clinical testing. Allele origin: germline.
Comment: This sequence change affects a donor splice site in intron 13 of the BRCA1 gene. RNA analysis indicates that disruption of this splice site induces altered splicing and may result in an absent or altered protein product. This variant is not present in population databases (gnomAD no frequency). Disruption of this splice site has been observed in individual(s) with breast and ovarian cancer and/or early-onset breast cancer (PMID: 12673801, 22752604). This variant is also known as IVS14+1G>A; 4603+1G>A. ClinVar contains an entry for this variant (Variation ID: 37596). Studies have shown that disruption of this splice site results in skipping of exon 13, and produces a non-functional protein and/or introduces a premature termination codon (PMID: 12673801, 22505045, 24667779; internal data). For these reasons, this variant has been classified as Pathogenic.

Ambry Genetics
Classification: Pathogenic for Hereditary cancer-predisposing syndrome. Last evaluated: 2025-07-18. Review status: criteria provided, single submitter. Criteria: Ambry Variant Classification Scheme 2023. Collection method: clinical testing. Allele origin: germline.
Comment: The c.4484+1G>A intronic pathogenic mutation results from a G to A substitution one nucleotide after coding exon 12 of the BRCA1 gene. This mutation has been previously identified in multiple individuals affected with breast and/or ovarian cancer (Perkowska M et al. Hum. Mutat. 2003 May; 21(5):553-4; Juwle A and Saranath D. Med. Oncol. 2012 Dec; 29(5):3272-81; Mannan AU et al. J. Hum. Genet. 2016 Jun;61:515-22; Brozek I et al. Gynecol. Oncol. 2008 Feb;108:433-7). Additionally, RT-PCR analysis, transcript analysis, and a mini-gene splicing assay have shown that this alteration leads to a skipping of coding exon 12, leading to a frameshift and an alternate stop codon (Ambry internal data; Perkowska M et al. Hum. Mutat. 2003 May; 21(5):553-4. Houdayer C et al. Hum. Mutat. 2012 Aug; 33(8):1228-38; Steffensen AY et al. Eur. J. Hum. Genet. 2014 Dec; 22(12):1362-8). Of note, this alteration is also designated as IVS14+1G>A in published literature. In addition to the clinical and functional data presented in the literature, alterations that disrupt the canonical splice site are expected to cause aberrant splicing, resulting in an abnormal protein or a transcript that is subject to nonsense-mediated mRNA decay. Based on the supporting evidence, this alteration is interpreted as a disease-causing mutation.

GeneDx
Classification: Pathogenic. Last evaluated: 2024-09-06. Review status: criteria provided, single submitter. Criteria: GeneDx Variant Classification Process June 2021. Collection method: clinical testing. Allele origin: germline. Affected: yes.
Comment: Canonical splice site variant demonstrated to result in exon skipping leading to premature protein truncation, in a gene for which loss of function is a known mechanism of disease (PMID: 12673801, 22505045, 24667779); Observed in individuals with a personal or family history consistent with pathogenic variants in this gene (PMID: 17997147, 22752604, 29254167, 30441849, 29470806, 29752822); Not observed at significant frequency in large population cohorts (gnomAD); Also known as IVS14+1G>A and 4603+1G>A; This variant is associated with the following publications: (PMID: 22505045, 17997147, 25525159, 29752822, 28888541, 26843898, 27167707, 22752604, 29470806, 26911350, 12673801, 24667779, 29254167, 29805665, 30441849, 29446198, 31159747, 31209999, 31447099, 31825140, 30787465, 37852034, 38439815)

All of Us Research Program, National Institutes of Health
Classification: Pathogenic for BRCA1-related cancer predisposition. Last evaluated: 2024-07-10. Review status: criteria provided, single submitter. Criteria: ACMG Guidelines, 2015. Collection method: clinical testing. Allele origin: germline. Inheritance: Autosomal dominant inheritance. Observed: 1 variant allele, 1 heterozygote.
Comment: This variant causes a G>A nucleotide substitution at the +1 position of intron 13 of the BRCA1 gene. RNA studies have shown that this variant causes out-of-frame skipping of exon 13, resulting in premature truncation (PMID: 12673801, 22505045, 24667779). To our knowledge, functional studies have not been performed for this variant. This variant has been reported in individuals affected with breast and//or ovarian cancer (PMID: 12673801, 22752604, 29470806, 29752822, 31825140). This variant has not been identified in the general population by the Genome Aggregation Database (gnomAD). Loss of BRCA1 function is a known mechanism of disease. Based on the available evidence, this variant is classified as Pathogenic.

This study involves interpretation of variants in research participants for the purpose of population health screening. Participant phenotype was not available at the time of variant classification. Additional details can be found in publication PMID: 35346344, PMCID: PMC8962531

Color Diagnostics, LLC DBA Color Health
Classification: Pathogenic for Hereditary cancer-predisposing syndrome. Last evaluated: 2024-04-23. Review status: criteria provided, single submitter. Criteria: ACMG Guidelines, 2015. Collection method: clinical testing. Allele origin: germline.
Comment: This variant causes a G>A nucleotide substitution at the +1 position of intron 13 of the BRCA1 gene. RNA studies have shown that this variant causes out-of-frame skipping of exon 13, resulting in premature truncation (PMID: 12673801, 22505045, 24667779). To our knowledge, functional studies have not been performed for this variant. This variant has been reported in individuals affected with breast and//or ovarian cancer (PMID: 12673801, 22752604, 29470806, 29752822, 31825140). This variant has not been identified in the general population by the Genome Aggregation Database (gnomAD). Loss of BRCA1 function is a known mechanism of disease. Based on the available evidence, this variant is classified as Pathogenic.

Baylor Genetics
Classification: Pathogenic for Breast-ovarian cancer, familial, susceptibility to, 1. Last evaluated: 2022-08-03. Review status: criteria provided, single submitter. Criteria: ACMG Guidelines, 2015. Collection method: clinical testing. Allele origin: unknown.

Quest Diagnostics Nichols Institute San Juan Capistrano
Classification: Pathogenic. Last evaluated: 2022-02-15. Review status: criteria provided, single submitter. Criteria: Quest Diagnostics criteria. Collection method: clinical testing. Allele origin: unknown.
Comment: This variant disrupts a canonical splice-donor site and interferes with normal BRCA1 mRNA splicing. This variant has not been reported in large, multi-ethnic general populations. In the published literature, the variant has been reported in individuals and families with hereditary breast and/or ovarian cancer (PMIDs: 31825140 (2019), 29752822 (2018), 29470806 (2018), 26911350 (2016), 22752604 (2012), 17997147 (2008), 12673801 (2003)). Functional studies have demonstrated that this variant leads to exon 14 skipping (PMIDs: 24667779 (2014), 22505045 (2012), 12673801 (2003)). Based on the available information, this variant is classified as pathogenic.

GeneKor MSA
Classification: Pathogenic for Hereditary Breast Carcinoma. Last evaluated: 2020-01-01. Review status: criteria provided, single submitter. Criteria: ACMG Guidelines, 2015. Collection method: clinical testing. Allele origin: germline.
Comment: This sequence change occurs 1 base after exon 14 of the BRCA1 gene. This position is highly conserved in the human and other genomes and is crucial in mRNA processing. This mutation is expected to result in incorrect splicing, alteration in the reading frame and a truncated protein. The mutation database Clinvar contains entries for this variant (Variation ID:37596)In summary, this is a rare sequence change that is expected to affect the BRCA1 protein and cause disease.